The following is an entry in ClinVar:

NM_000173.7(GP1BA):c.194C>T (p.Ala65Val)

Gene: GP1BA (glycoprotein Ib platelet subunit alpha; plus strand). Cytogenetic location: 17p13.2.
Variant type: single nucleotide variant.
Coding change: c.194C>T on transcript NM_000173.7 (MANE Select); coding-DNA position 194, C replaced by T.
Protein change: p.Ala65Val; replaces alanine 65 with valine.
Molecular consequence: missense variant.
Genome position (GRCh38, 1-based): chr17:4,932,798, C>T. VCF-style: chr17-4932798-C-T. GRCh37 (hg19) VCF-style: chr17-4836093-C-T.
Other names: short protein forms A65V.
Identifiers: ClinVar variation 2629339 (VCV002629339.1), dbSNP rs1244043365, ClinGen allele CA397315035.
Genomic context (GRCh38, chr17:4,932,798, plus strand): 5'-TGCCGAAAGACACAACCATCCTCCACCTGAGTGAGAACCTCCTGTACACCTTCTCCCTGG[C>T]AACCCTGATGCCTTACACTCGCCTCACTCAGCTGAACCTAGATAGGTGCGAGCTCACCAA-3'
Protein context (NP_000164.5, residues 55-75): SENLLYTFSL[Ala65Val]TLMPYTRLTQ

ClinVar aggregate classification (germline): Uncertain significance (1 of 4 stars; one submission).

Conditions:
GP1BA-related disorder. Also called: GP1BA-related condition.

Allele frequency attached by ClinVar (database versions not stated): TOPMed 0.00001.

Submission:

PreventionGenetics, part of Exact Sciences
Classification: Uncertain significance for GP1BA-related condition. Last evaluated: 2022-10-12. Review status: criteria provided, single submitter. Criteria: ACMG Guidelines, 2015. Collection method: clinical testing. Allele origin: germline.
Comment: The GP1BA c.194C>T variant is predicted to result in the amino acid substitution p.Ala65Val. To our knowledge, this variant has not been reported in the literature. This variant is reported in 0.00088% of alleles in individuals of European (Non-Finnish) descent in gnomAD. This variant is interpreted as no interpretation set.